The following is an entry in ClinVar:

NM_000059.4(BRCA2):c.7335T>A (p.Ser2445Arg)

Gene: BRCA2 (BRCA2 DNA repair associated; plus strand). Cytogenetic location: 13q13.1.
Variant type: single nucleotide variant.
Coding change: c.7335T>A on transcript NM_000059.4 (MANE Select); coding-DNA position 7335, T replaced by A.
Protein change: p.Ser2445Arg; replaces serine 2445 with arginine.
Molecular consequence: missense variant. On other transcripts: non-coding transcript variant (1).
Genome position (GRCh38, 1-based): chr13:32,355,188, T>A. VCF-style: chr13-32355188-T-A. GRCh37 (hg19) VCF-style: chr13-32929325-T-A.
Other names: c.7239T>A, p.Ser2413Arg (NM_001406719.1); c.7335T>A, p.Ser2445Arg (NM_001406720.1, NM_001432077.1); c.2403T>A, p.Ser801Arg (NM_001406721.1); c.918T>A, p.Ser306Arg (NM_001406722.1); short protein forms S2413R, S2445R, S306R, S801R.
Identifiers: ClinVar variation 4867804 (VCV004867804.1).

ClinVar aggregate classification (germline): Uncertain significance (1 of 4 stars; one submission).

Conditions:
Hereditary cancer-predisposing syndrome. Also called: Neoplastic Syndromes, Hereditary; Tumor predisposition; Hereditary Cancer Syndrome; Hereditary neoplastic syndrome. Identifiers: Orphanet 140162, MedGen C0027672, MeSH D009386, MONDO:0015356.

Submission:

Ambry Genetics
Classification: Uncertain significance for Hereditary cancer-predisposing syndrome. Last evaluated: 2026-03-31. Review status: criteria provided, single submitter. Criteria: Ambry Variant Classification Scheme 2023. Collection method: clinical testing. Allele origin: germline.
Comment: The p.S2445R variant (also known as c.7335T>A), located in coding exon 13 of the BRCA2 gene, results from a T to A substitution at nucleotide position 7335. The serine at codon 2445 is replaced by arginine, an amino acid with dissimilar properties. This amino acid position is conserved. In addition, this alteration is predicted to be tolerated by in silico analysis. Based on the available evidence, the clinical significance of this variant remains unclear.